The following is an entry in ClinVar:

NM_002878.4(RAD51D):c.530A>G (p.Gln177Arg)

Genes: RAD51D (RAD51 paralog D; minus strand), RAD51L3-RFFL (RAD51L3-RFFL readthrough; minus strand). Cytogenetic location: 17q12.
Variant type: single nucleotide variant.
Coding change: c.530A>G on transcript NM_002878.4 (MANE Select); coding-DNA position 530, A replaced by G.
Protein change: p.Gln177Arg; replaces glutamine 177 with arginine.
Molecular consequence: missense variant. On other transcripts: non-coding transcript variant (3).
Genome position (GRCh38, 1-based): chr17:35,106,432, T>C on the plus strand (A>G on the coding strand, the complement: RAD51D is on the minus strand). VCF-style: chr17-35106432-T-C. GRCh37 (hg19) VCF-style: chr17-33433451-T-C.
Other names: c.590A>G, p.Gln197Arg (NM_001142571.2); c.194A>G, p.Gln65Arg (NM_133629.3); short protein forms Q177R, Q65R, Q197R.
Identifiers: ClinVar variation 2965685 (VCV002965685.4), dbSNP rs786201960, ClinGen allele CA399088775.

ClinVar aggregate classification (germline): Conflicting classifications of pathogenicity. Review status: criteria provided, conflicting classifications (1 of 4 stars). 2 submissions from 2 submitters: Uncertain significance (1); Likely benign (1). Last evaluated 2025-06-06.

Conditions:
Hereditary cancer-predisposing syndrome. Also called: Tumor predisposition; Hereditary neoplastic syndrome; Hereditary Cancer Syndrome; Neoplastic Syndromes, Hereditary. Identifiers: Orphanet 140162, MedGen C0027672, MeSH D009386, MONDO:0015356.
Breast-ovarian cancer, familial, susceptibility to, 4. Identifiers: Orphanet 145, MedGen C3280345, MONDO:0013669, OMIM 614291.

Submissions (2):

Ambry Genetics
Classification: Likely benign for Hereditary cancer-predisposing syndrome. Last evaluated: 2025-06-06. Review status: criteria provided, single submitter. Criteria: Ambry Variant Classification Scheme 2023. Collection method: clinical testing. Allele origin: germline.

Labcorp Genetics (formerly Invitae), Labcorp
Classification: Uncertain significance for Breast-ovarian cancer, familial, susceptibility to, 4. Last evaluated: 2023-08-17. Review status: criteria provided, single submitter. Criteria: Invitae Variant Classification Sherloc (09022015). Collection method: clinical testing. Allele origin: germline.
Comment: This variant is not present in population databases (gnomAD no frequency). This sequence change replaces glutamine, which is neutral and polar, with arginine, which is basic and polar, at codon 177 of the RAD51D protein (p.Gln177Arg). This variant has not been reported in the literature in individuals affected with RAD51D-related conditions. In summary, the available evidence is currently insufficient to determine the role of this variant in disease. Therefore, it has been classified as a Variant of Uncertain Significance. Advanced modeling of protein sequence and biophysical properties (such as structural, functional, and spatial information, amino acid conservation, physicochemical variation, residue mobility, and thermodynamic stability) performed at Invitae indicates that this missense variant is not expected to disrupt RAD51D protein function.